The following is an entry in ClinVar:

ClinVar aggregate classification (germline): Uncertain significance (1 of 4 stars; one submission).

Allele frequency attached by ClinVar (database versions not stated): gnomAD exomes below 0.00001; ExAC 0.00001; TOPMed 0.00001.
gnomAD v4.1: 2 of 1,604,620 alleles (0.00012%); highest among the groups gnomAD compares: Admixed American, 0.0017%; no homozygotes.

Submission:

Labcorp Genetics (formerly Invitae), Labcorp
Classification: Uncertain significance. Last evaluated: 2022-04-20. Review status: criteria provided, single submitter. Criteria: Invitae Variant Classification Sherloc (09022015). Collection method: clinical testing. Allele origin: germline.
Comment: Algorithms developed to predict the effect of missense changes on protein structure and function (SIFT, PolyPhen-2, Align-GVGD) all suggest that this variant is likely to be tolerated. This variant has not been reported in the literature in individuals affected with PDP1-related conditions. This variant is present in population databases (rs756545344, gnomAD 0.003%). This sequence change replaces alanine, which is neutral and non-polar, with threonine, which is neutral and polar, at codon 478 of the PDP1 protein (p.Ala478Thr). In summary, the available evidence is currently insufficient to determine the role of this variant in disease. Therefore, it has been classified as a Variant of Uncertain Significance.

NM_018444.4(PDP1):c.1432G>A (p.Ala478Thr)

Gene: PDP1 (pyruvate dehydrogenase phosphatase catalytic subunit 1; plus strand). Cytogenetic location: 8q22.1.
Variant type: single nucleotide variant.
Coding change: c.1432G>A on transcript NM_018444.4 (MANE Select); coding-DNA position 1432, G replaced by A.
Protein change: p.Ala478Thr; replaces alanine 478 with threonine.
Molecular consequence: missense variant.
Genome position (GRCh38, 1-based): chr8:93,923,491, G>A. VCF-style: chr8-93923491-G-A. GRCh37 (hg19) VCF-style: chr8-94935719-G-A.
Other names: c.1507G>A, p.Ala503Thr (NM_001161779.2, NM_001161780.2); c.1432G>A, p.Ala478Thr (NM_001161781.2); short protein forms A503T, A478T.
Identifiers: ClinVar variation 1987313 (VCV001987313.4), dbSNP rs756545344, ClinGen allele CA4808828.